The following is an entry in ClinVar:

NM_000322.5(PRPH2):c.557A>T (p.Asp186Val)

Gene: PRPH2 (peripherin 2; minus strand). Cytogenetic location: 6p21.1.
Variant type: single nucleotide variant.
Coding change: c.557A>T on transcript NM_000322.5 (MANE Select); coding-DNA position 557, A replaced by T.
Protein change: p.Asp186Val; replaces aspartic acid 186 with valine.
Molecular consequence: missense variant.
Genome position (GRCh38, 1-based): chr6:42,721,778, T>A on the plus strand (A>T on the coding strand, the complement: PRPH2 is on the minus strand). VCF-style: chr6-42721778-T-A. GRCh37 (hg19) VCF-style: chr6-42689516-T-A.
Other names: short protein forms D186V.
Identifiers: ClinVar variation 1175259 (VCV001175259.2), dbSNP rs2152010856, ClinGen allele CA364137232.
Genomic context (GRCh38, chr6:42,721,778, plus strand): 5'-TTCATAGCTCTGACCCCAGGACTGGAAGCCACTCACTCTTTGACTTCTTTGGAGGAAAAG[T>A]CCAGGTAGCGATTGCTGATCCACTGAATCTCAAACCAGTCCCGAAAACCGTTGTTGCCGC-3'
Protein context (NP_000313.2, residues 176-196): EIQWISNRYL[Asp186Val]FSSKEVKDRI

ClinVar aggregate classification (germline): Uncertain significance. Review status: criteria provided, single submitter (1 of 4 stars). 2 submissions from 2 submitters: Uncertain significance (1). 1 of the submissions does not count toward it. Last evaluated 2023-10-01.

Conditions:
Retinal dystrophy. Also called: Inherited retinal dystrophy. Identifiers: Orphanet 71862, MedGen C0854723, MeSH D058499, MONDO:0019118, HP:0000556.

Submissions (2):

Dept Of Ophthalmology, Nagoya University
Classification: Uncertain significance for Retinal dystrophy. Last evaluated: 2023-10-01. Review status: criteria provided, single submitter. Criteria: Submitter's publication. Collection method: research. Allele origin: germline. Affected: yes.

Leiden Open Variation Database
Classification: Uncertain significance. Last evaluated: 2019-07-24. Review status: no assertion criteria provided. Collection method: curation. Allele origin: germline. Affected: yes. Not counted in ClinVar's aggregate classification.
Comment: Curator: Global Variome, with Curator vacancy. Submitter to LOVD: Yoshito Koyanagi.

Literature cited by the submitters: PubMed 31213501 (cited by Leiden Open Variation Database).